The following is an entry in ClinVar:

NM_000152.5(GAA):c.225C>A (p.Pro75=)

Gene: GAA (alpha glucosidase; plus strand). Cytogenetic location: 17q25.3.
Variant type: single nucleotide variant.
Coding change: c.225C>A on transcript NM_000152.5 (MANE Select); coding-DNA position 225, C replaced by A.
Protein change: p.Pro75=; no amino-acid change (proline 75 retained).
Molecular consequence: synonymous variant.
Genome position (GRCh38, 1-based): chr17:80,104,811, C>A. VCF-style: chr17-80104811-C-A. GRCh37 (hg19) VCF-style: chr17-78078610-C-A.
Other names: p.Pro75=; c.225C>A, p.Pro75= (NM_001079803.3, NM_001079804.3, NM_001406741.1 and 1 more transcripts).
Identifiers: ClinVar variation 4684254 (VCV004684254.1).

ClinVar aggregate classification (germline): Likely benign (1 of 4 stars; one submission).

Submission:

Mayo Clinic Laboratories, Mayo Clinic
Classification: Likely benign. Last evaluated: 2025-02-11. Review status: criteria provided, single submitter. Criteria: ACMG Guidelines, 2015. Collection method: clinical testing. Allele origin: germline. Observed: 1 variant allele.
Comment: BP4, BP7